The following is an entry in ClinVar:

ClinVar aggregate classification (germline): Likely pathogenic (1 of 4 stars; one submission).

Conditions:
Microcephaly, normal intelligence and immunodeficiency (NBS). Also called: Nijmegen breakage syndrome; Microcephaly with normal intelligence immunodeficiency and lymphoreticular malignancies; Nonsyndromal microcephaly autosomal recessive with normal intelligence; Seemanova syndrome 2; BERLIN BREAKAGE SYNDROME; Ataxia telangiectasia variant V1. Identifiers: Orphanet 647, MedGen C0398791, MONDO:0009623, OMIM 251260.

Submission:

Natera, Inc.
Classification: Likely pathogenic for Nijmegen breakage syndrome. Last evaluated: 2025-12-01. Review status: criteria provided, single submitter. Criteria: Natera Variant Classification Schema (03/2026). Collection method: clinical testing. Allele origin: germline.
Comment: The c.765del variant in NBN is a frameshift variant predicted to shift the reading frame beginning at codon 256 and leads to a stop codon 20 codons downstream. This variant is expected to result in nonsense mediated decay, truncation, or a dysfunctional protein product. This variant is rare in the general population with a frequency below the threshold expected for the associated phenotype(s). Given the available evidence, this variant is classified as Likely Pathogenic.

NM_002485.5(NBN):c.765del (p.Asn256fs)

Gene: NBN (nibrin; minus strand). Cytogenetic location: 8q21.3.
Variant type: Deletion.
Coding change: c.765del on transcript NM_002485.5 (MANE Select); coding-DNA position 765, one base deleted (G; older notation c.765delG).
Protein change: p.Asn256fs; shifts the reading frame from asparagine 256.
Molecular consequence: frameshift variant.
Genome position (GRCh38, 1-based): chr8:89,970,495, C deleted on the plus strand (G on the coding strand, the reverse complement: NBN is on the minus strand). VCF-style (leftmost placement, unchanged base first): chr8-89970494-TC-T. GRCh37 (hg19) VCF-style: chr8-90982722-TC-T.
Other names: c.519del, p.Asn174fs (NM_001440380.1, NM_001024688.3, NM_001440379.1); c.765delG, p.Asn256Metfs (NM_002485.4); short protein forms N174fs, N256fs.
Identifiers: ClinVar variation 4815070 (VCV004815070.1).